The following is an entry in ClinVar:

ClinVar aggregate classification (germline): Uncertain significance (1 of 4 stars; one submission).

gnomAD v4.1: 2 of 1,611,804 alleles (0.00012%); highest among the groups gnomAD compares: Non-Finnish European, 0.00017%; no homozygotes.

Submission:

Labcorp Genetics (formerly Invitae), Labcorp
Classification: Uncertain significance. Last evaluated: 2025-12-23. Review status: criteria provided, single submitter. Criteria: Invitae Variant Classification Sherloc (09022015). Collection method: clinical testing. Allele origin: germline.
Comment: This sequence change falls in intron 4 of the ASRGL1 gene. It does not directly change the encoded amino acid sequence of the ASRGL1 protein. It affects a nucleotide within the consensus splice site. This variant is not present in population databases (gnomAD no frequency). This variant has not been reported in the literature in individuals affected with ASRGL1-related conditions. Variants that disrupt the consensus splice site are a relatively common cause of aberrant splicing (PMID: 17576681, 9536098). Algorithms developed to predict the effect of sequence changes on RNA splicing suggest that this variant is not likely to affect RNA splicing. In summary, the available evidence is currently insufficient to determine the role of this variant in disease. Therefore, it has been classified as a Variant of Uncertain Significance.

Literature cited by the submitters: PubMed 17576681; PubMed 9536098.

NM_001083926.2(ASRGL1):c.491+3A>G

Gene: ASRGL1 (asparaginase and isoaspartyl peptidase 1; plus strand). Cytogenetic location: 11q12.3.
Variant type: single nucleotide variant.
Coding change: c.491+3A>G on transcript NM_001083926.2 (MANE Select); 3 bases into the intron after coding-DNA position 491, A replaced by G.
Molecular consequence: intron variant.
Genome position (GRCh38, 1-based): chr11:62,357,147, A>G. VCF-style: chr11-62357147-A-G. GRCh37 (hg19) VCF-style: chr11-62124619-A-G.
Other names: c.491+3A>G (NM_025080.4, NM_001441217.1, NM_001441216.1).
Identifiers: ClinVar variation 4734032 (VCV004734032.1).
Genomic context (GRCh38, chr11:62,357,147, plus strand): 5'-AAAAGCGCCTGGAAAAAGAGAAGCATGAAAAAGGTGCTCAGAAAACAGATTGTCAAAAGT[A>G]AGTCTTACCTGTGGCTCGCATTATTTGGGAGTTATTAAAATATGAAAGTTTGGCAAATAC-3'